The following is an entry in ClinVar:

ClinVar aggregate classification (germline): Uncertain significance (1 of 4 stars; one submission).

Submission:

Labcorp Genetics (formerly Invitae), Labcorp
Classification: Uncertain significance. Last evaluated: 2025-11-23. Review status: criteria provided, single submitter. Criteria: Invitae Variant Classification Sherloc (09022015). Collection method: clinical testing. Allele origin: germline.
Comment: This sequence change is expected to alter the c-terminus of the RHAG protein (p.Val405Serfs*58). While this is not anticipated to result in nonsense mediated decay, it is expected to disrupt the last 5 amino acid(s) of the RHAG protein and extend the protein by 52 additional amino acid residues. This variant is not present in population databases (gnomAD no frequency). This variant has not been reported in the literature in individuals affected with RHAG-related conditions. Experimental studies and prediction algorithms are not available or were not evaluated, and the functional significance of this variant is currently unknown. Algorithms developed to predict the effect of sequence changes on RNA splicing suggest that this variant may disrupt the consensus splice site. In summary, the available evidence is currently insufficient to determine the role of this variant in disease. Therefore, it has been classified as a Variant of Uncertain Significance.

NC_000006.12:g.49605831del

Gene: RHAG (Rh associated glycoprotein; minus strand). Cytogenetic location: 6p12.3.
Variant type: Deletion.
Genome position: GRCh38 VCF-style: chr6-49605829-AC-A. GRCh37 (hg19) VCF-style: chr6-49573542-AC-A.
Identifiers: ClinVar variation 4760408 (VCV004760408.1).